The following is an entry in ClinVar:

NM_022098.4(XPNPEP3):c.761G>A (p.Arg254Gln)

Gene: XPNPEP3 (X-prolyl aminopeptidase 3; plus strand). Cytogenetic location: 22q13.2.
Variant type: single nucleotide variant.
Coding change: c.761G>A on transcript NM_022098.4 (MANE Select); coding-DNA position 761, G replaced by A.
Protein change: p.Arg254Gln; replaces arginine 254 with glutamine.
Molecular consequence: missense variant.
Genome position (GRCh38, 1-based): chr22:40,886,484, G>A. VCF-style: chr22-40886484-G-A. GRCh37 (hg19) VCF-style: chr22-41282488-G-A.
Other names: short protein forms R254Q.
Identifiers: ClinVar variation 2153928 (VCV002153928.1), dbSNP rs373246644, ClinGen allele CA411678300.

ClinVar aggregate classification (germline): Uncertain significance (1 of 4 stars; one submission).

Conditions:
Nephronophthisis-like nephropathy 1 (NPHPL1). Identifiers: Orphanet 655, MedGen C3150419, MONDO:0013163, OMIM 613159.

gnomAD v4.1: 21 of 1,613,906 alleles (0.0013%); highest among the groups gnomAD compares: Admixed American, 0.0033%; no homozygotes.

Submission:

Labcorp Genetics (formerly Invitae), Labcorp
Classification: Uncertain significance for Nephronophthisis-like nephropathy 1. Last evaluated: 2022-08-16. Review status: criteria provided, single submitter. Criteria: Invitae Variant Classification Sherloc (09022015). Collection method: clinical testing. Allele origin: germline.
Comment: This sequence change replaces arginine, which is basic and polar, with glutamine, which is neutral and polar, at codon 254 of the XPNPEP3 protein (p.Arg254Gln). This variant is present in population databases (no rsID available, gnomAD 0.006%). This variant has not been reported in the literature in individuals affected with XPNPEP3-related conditions. Algorithms developed to predict the effect of missense changes on protein structure and function output the following: SIFT: "Tolerated"; PolyPhen-2: "Benign"; Align-GVGD: "Class C0". The glutamine amino acid residue is found in multiple mammalian species, which suggests that this missense change does not adversely affect protein function. In summary, the available evidence is currently insufficient to determine the role of this variant in disease. Therefore, it has been classified as a Variant of Uncertain Significance.